The following is an entry in ClinVar:

NM_004982.4(KCNJ8):c.192G>C (p.Leu64Phe)

Genes: KCNJ8 (potassium inwardly rectifying channel subfamily J member 8; minus strand), KCNJ8-AS1 (KCNJ8 antisense RNA 1; plus strand). Cytogenetic location: 12p12.1.
Variant type: single nucleotide variant.
Coding change: c.192G>C on transcript NM_004982.4 (MANE Select); coding-DNA position 192, G replaced by C.
Protein change: p.Leu64Phe; replaces leucine 64 with phenylalanine.
Molecular consequence: missense variant.
Genome position (GRCh38, 1-based): chr12:21,773,425, C>G on the plus strand (G>C on the coding strand, the complement: KCNJ8 is on the minus strand). VCF-style: chr12-21773425-C-G. GRCh37 (hg19) VCF-style: chr12-21926359-C-G.
Other names: short protein forms L64F.
Identifiers: ClinVar variation 2814359 (VCV002814359.3), dbSNP rs2540728451, ClinGen allele CA384131439.
Genomic context (GRCh38, chr12:21,773,425, plus strand): 5'-CCAGCTGCAGAGGAAGGACATGGTAAAGATGACCAGCGTGTGGCGCCATTTCAGGTCCAC[C>G]AAGGTGGTGAAGATGTCCTGTAGAAAGCGTCCTTGCTCACGGATGTTCTTATGCGCCAGG-3'
Protein context (NP_004973.1, residues 54-74): GRFLQDIFTT[Leu64Phe]VDLKWRHTLV

ClinVar aggregate classification (germline): Uncertain significance (1 of 4 stars; one submission).

Conditions:
Brugada syndrome. Also called: Sudden Unexplained Death Syndrome; Sudden Unexplained Nocturnal Death Syndrome (SUNDS); Sudden unexpected nocturnal death syndrome; Sudden unexplained nocturnal death syndrome. Identifiers: Orphanet 130, MedGen C1142166, MONDO:0015263.

Allele frequency attached by ClinVar (database versions not stated): gnomAD exomes below 0.00001.
gnomAD v4.1: 1 of 1,614,250 alleles (0.000062%); highest among the groups gnomAD compares: East Asian, 0.0022%; no homozygotes.

Submission:

Labcorp Genetics (formerly Invitae), Labcorp
Classification: Uncertain significance for Brugada syndrome. Last evaluated: 2022-11-15. Review status: criteria provided, single submitter. Criteria: Invitae Variant Classification Sherloc (09022015). Collection method: clinical testing. Allele origin: germline.
Comment: This variant has not been reported in the literature in individuals affected with KCNJ8-related conditions. In summary, the available evidence is currently insufficient to determine the role of this variant in disease. Therefore, it has been classified as a Variant of Uncertain Significance. Advanced modeling of protein sequence and biophysical properties (such as structural, functional, and spatial information, amino acid conservation, physicochemical variation, residue mobility, and thermodynamic stability) performed at Invitae indicates that this missense variant is not expected to disrupt KCNJ8 protein function. This variant is not present in population databases (gnomAD no frequency). This sequence change replaces leucine, which is neutral and non-polar, with phenylalanine, which is neutral and non-polar, at codon 64 of the KCNJ8 protein (p.Leu64Phe).